The following is an entry in ClinVar:

NM_001048174.2(MUTYH):c.1060G>T (p.Ala354Ser)

Gene: MUTYH (mutY DNA glycosylase; minus strand). Cytogenetic location: 1p34.1.
Variant type: single nucleotide variant.
Coding change: c.1060G>T on transcript NM_001048174.2 (MANE Select); coding-DNA position 1060, G replaced by T.
Protein change: p.Ala354Ser; replaces alanine 354 with serine.
Molecular consequence: missense variant. On other transcripts: non-coding transcript variant (7).
Genome position (GRCh38, 1-based): chr1:45,331,703, C>A on the plus strand (G>T on the coding strand, the complement: MUTYH is on the minus strand). VCF-style: chr1-45331703-C-A. GRCh37 (hg19) VCF-style: chr1-45797375-C-A.
Other names: c.1093G>T, p.Ala365Ser (NM_001293191.2, NM_001407069.1, NM_001407077.1); c.784G>T, p.Ala262Ser (NM_001293192.2, NM_001293196.2, NM_001407091.1); c.1060G>T, p.Ala354Ser (NM_001293195.2, NM_001407070.1, NM_001407072.1 and 6 more transcripts); c.715G>T, p.Ala239Ser (NM_001350650.2, NM_001350651.2, NM_001407082.1); c.1063G>T, p.Ala355Ser (NM_001407071.1, NM_001407078.1, NM_001048172.2 and 1 more transcripts); c.976G>T, p.Ala326Ser (NM_001407075.1); c.1021G>T, p.Ala341Ser (NM_001407079.1); c.1018G>T, p.Ala340Ser (NM_001407080.1); and 5 more; short protein forms A239S, A379S, A262S, A340S, A365S, A368S, A326S, A355S.
Identifiers: ClinVar variation 4113050 (VCV004113050.1).

ClinVar aggregate classification (germline): Uncertain significance (1 of 4 stars; one submission).

Conditions:
Hereditary cancer-predisposing syndrome. Also called: Tumor predisposition; Neoplastic Syndromes, Hereditary; Hereditary neoplastic syndrome; Hereditary Cancer Syndrome. Identifiers: Orphanet 140162, MedGen C0027672, MeSH D009386, MONDO:0015356.

Submission:

Ambry Genetics
Classification: Uncertain significance for Hereditary cancer-predisposing syndrome. Last evaluated: 2025-08-27. Review status: criteria provided, single submitter. Criteria: Ambry Variant Classification Scheme 2023. Collection method: clinical testing. Allele origin: germline.
Comment: The p.A382S variant (also known as c.1144G>T), located in coding exon 12 of the MUTYH gene, results from a G to T substitution at nucleotide position 1144. The alanine at codon 382 is replaced by serine, an amino acid with similar properties. This amino acid position is conserved. In addition, this alteration is predicted to be tolerated by in silico analysis. Based on the available evidence, the clinical significance of this variant remains unclear.